The following is an entry in ClinVar:

NM_001382391.1(CSPP1):c.1831C>T (p.Arg611Trp)

Gene: CSPP1 (centrosome and spindle pole associated protein 1; plus strand). Cytogenetic location: 8q13.2.
Variant type: single nucleotide variant.
Coding change: c.1831C>T on transcript NM_001382391.1 (MANE Select); coding-DNA position 1831, C replaced by T.
Protein change: p.Arg611Trp; replaces arginine 611 with tryptophan.
Molecular consequence: missense variant.
Genome position (GRCh38, 1-based): chr8:67,137,459, C>T. VCF-style: chr8-67137459-C-T. GRCh37 (hg19) VCF-style: chr8-68049694-C-T.
Other names: c.934C>T, p.Arg312Trp (NM_001291339.2); c.1750C>T, p.Arg584Trp (NM_001363131.2); c.1789C>T, p.Arg597Trp (NM_001363132.2); c.1708C>T, p.Arg570Trp (NM_001363133.2); c.1897C>T, p.Arg633Trp (NM_001364869.1); c.1717C>T, p.Arg573Trp (NM_001364870.1); c.1816C>T, p.Arg606Trp (NM_024790.7); short protein forms R312W, R597W, R606W, R573W, R584W, R611W, R633W, R570W.
Identifiers: ClinVar variation 958939 (VCV000958939.9), dbSNP rs527674289, ClinGen allele CA4770674.

ClinVar aggregate classification (germline): Uncertain significance (1 of 4 stars; one submission).

Conditions:
Joubert syndrome 21 (JBTS21). Identifiers: MedGen C3810212, MONDO:0014288, OMIM 615636.

Allele frequency attached by ClinVar (database versions not stated): gnomAD 0.00001; gnomAD exomes 0.00001.
gnomAD v4.1: 15 of 1,485,312 alleles (0.001%); highest among the groups gnomAD compares: South Asian, 0.004%; no homozygotes.

Submission:

Labcorp Genetics (formerly Invitae), Labcorp
Classification: Uncertain significance for Joubert syndrome 21. Last evaluated: 2022-01-06. Review status: criteria provided, single submitter. Criteria: Invitae Variant Classification Sherloc (09022015). Collection method: clinical testing. Allele origin: germline.
Comment: In summary, the available evidence is currently insufficient to determine the role of this variant in disease. Therefore, it has been classified as a Variant of Uncertain Significance. Algorithms developed to predict the effect of missense changes on protein structure and function are either unavailable or do not agree on the potential impact of this missense change (SIFT: "Deleterious"; PolyPhen-2: "Possibly Damaging"; Align-GVGD: "Class C0"). ClinVar contains an entry for this variant (Variation ID: 958939). This variant has not been reported in the literature in individuals affected with CSPP1-related conditions. The frequency data for this variant in the population databases is considered unreliable, as metrics indicate poor data quality at this position in the gnomAD database. This sequence change replaces arginine, which is basic and polar, with tryptophan, which is neutral and slightly polar, at codon 606 of the CSPP1 protein (p.Arg606Trp).